The following is an entry in ClinVar:

NM_000051.4(ATM):c.2755A>G (p.Arg919Gly)

Gene: ATM (ATM serine/threonine kinase; plus strand). Cytogenetic location: 11q22.3.
Variant type: single nucleotide variant.
Coding change: c.2755A>G on transcript NM_000051.4 (MANE Select); coding-DNA position 2755, A replaced by G.
Protein change: p.Arg919Gly; replaces arginine 919 with glycine.
Molecular consequence: missense variant.
Genome position (GRCh38, 1-based): chr11:108,268,526, A>G. VCF-style: chr11-108268526-A-G. GRCh37 (hg19) VCF-style: chr11-108139253-A-G.
Other names: c.2755A>G, p.Arg919Gly (NM_001351834.2); short protein forms R919G.
Identifiers: ClinVar variation 821767 (VCV000821767.16), dbSNP rs1591594384, ClinGen allele CA382545447.

ClinVar aggregate classification (germline): Uncertain significance. Review status: criteria provided, multiple submitters, no conflicts (2 of 4 stars). 4 submissions from 4 submitters: Uncertain significance (4). Last evaluated 2024-01-14.

Conditions:
Hereditary cancer-predisposing syndrome. Also called: Hereditary Cancer Syndrome; Neoplastic Syndromes, Hereditary; Hereditary neoplastic syndrome; Tumor predisposition. Identifiers: Orphanet 140162, MedGen C0027672, MeSH D009386, MONDO:0015356.
Ataxia-telangiectasia syndrome (AT). Also called: Cerebello-oculocutaneous telangiectasia; Immunodeficiency with ataxia telangiectasia; Ataxia-telangiectasia, complementation group E; Ataxia-telangiectasia, complementation group D; AT, COMPLEMENTATION GROUP C; ATAXIA-TELANGIECTASIA, COMPLEMENTATION GROUP A. Identifiers: Orphanet 100, MedGen C0004135, MONDO:0008840, OMIM 208900.

Allele frequency attached by ClinVar (database versions not stated): TOPMed below 0.00001.

Submissions (4):

Color Diagnostics, LLC DBA Color Health
Classification: Uncertain significance for Hereditary cancer-predisposing syndrome. Last evaluated: 2024-01-14. Review status: criteria provided, single submitter. Criteria: ACMG Guidelines, 2015. Collection method: clinical testing. Allele origin: germline.
Comment: This missense variant replaces arginine with glycine at codon 919 of the ATM protein. Computational prediction is inconclusive regarding the impact of this variant on protein structure and function (internally defined REVEL score threshold 0.5 < inconclusive < 0.7, PMID: 27666373). To our knowledge, functional studies have not been reported for this variant. This variant has not been reported in individuals affected with ATM-related disorders in the literature. This variant has not been identified in the general population by the Genome Aggregation Database (gnomAD). The available evidence is insufficient to determine the role of this variant in disease conclusively. Therefore, this variant is classified as a Variant of Uncertain Significance.

GeneDx
Classification: Uncertain significance. Last evaluated: 2023-11-21. Review status: criteria provided, single submitter. Criteria: GeneDx Variant Classification Process June 2021. Collection method: clinical testing. Allele origin: germline. Affected: yes.
Comment: Not observed at significant frequency in large population cohorts (gnomAD); In silico analysis supports that this missense variant has a deleterious effect on protein structure/function; Has not been previously published as pathogenic or benign to our knowledge

Ambry Genetics
Classification: Uncertain significance for Hereditary cancer-predisposing syndrome. Last evaluated: 2023-06-17. Review status: criteria provided, single submitter. Criteria: Ambry Variant Classification Scheme 2023. Collection method: clinical testing. Allele origin: germline.
Comment: The p.R919G variant (also known as c.2755A>G), located in coding exon 17 of the ATM gene, results from an A to G substitution at nucleotide position 2755. The arginine at codon 919 is replaced by glycine, an amino acid with dissimilar properties. This amino acid position is highly conserved in available vertebrate species. In addition, this alteration is predicted to be deleterious by in silico analysis. Since supporting evidence is limited at this time, the clinical significance of this alteration remains unclear.

Labcorp Genetics (formerly Invitae), Labcorp
Classification: Uncertain significance for Ataxia-telangiectasia syndrome. Last evaluated: 2022-10-06. Review status: criteria provided, single submitter. Criteria: Invitae Variant Classification Sherloc (09022015). Collection method: clinical testing. Allele origin: germline.
Comment: ClinVar contains an entry for this variant (Variation ID: 821767). In summary, the available evidence is currently insufficient to determine the role of this variant in disease. Therefore, it has been classified as a Variant of Uncertain Significance. Algorithms developed to predict the effect of missense changes on protein structure and function (SIFT, PolyPhen-2, Align-GVGD) all suggest that this variant is likely to be tolerated. This variant has not been reported in the literature in individuals affected with ATM-related conditions. This variant is not present in population databases (gnomAD no frequency). This sequence change replaces arginine, which is basic and polar, with glycine, which is neutral and non-polar, at codon 919 of the ATM protein (p.Arg919Gly).